The following is an entry in ClinVar:

ClinVar aggregate classification (germline): Pathogenic (1 of 4 stars; one submission).

Conditions:
Familial cancer of breast. Also called: Hereditary breast cancer; BREAST CANCER, FAMILIAL; hereditary breast carcinoma. Identifiers: Orphanet 227535, MedGen C0346153, MONDO:0016419, OMIM 114480. Disease mechanism: loss of function.

Submission:

Myriad Genetics, Inc.
Classification: Pathogenic for Familial cancer of breast. Last evaluated: 2023-09-07. Review status: criteria provided, single submitter. Criteria: Myriad Autosomal Dominant, Autosomal Recessive and X-Linked Classification Criteria (2023). Collection method: clinical testing. Allele origin: unknown.
Comment: This variant is considered pathogenic. This variant creates a frameshift predicted to result in premature protein truncation.

NM_024675.4(PALB2):c.782dup (p.His261fs)

Gene: PALB2 (partner and localizer of BRCA2; minus strand). Cytogenetic location: 16p12.2.
Variant type: Duplication.
Coding change: c.782dup on transcript NM_024675.4 (MANE Select); coding-DNA position 782, one base duplicated (A; older notation c.782dupA).
Protein change: p.His261fs; shifts the reading frame from histidine 261.
Molecular consequence: frameshift variant. On other transcripts: 5 prime UTR variant (8), intron variant (3).
Genome position (GRCh38, 1-based): chr16:23,635,764, T duplicated on the plus strand (A on the coding strand, the reverse complement: PALB2 is on the minus strand). VCF-style (leftmost placement, unchanged base first): chr16-23635763-G-GT. GRCh37 (hg19) VCF-style: chr16-23647084-G-GT.
Other names: c.722dup, p.His241fs (NM_001407296.1); c.782dup, p.His261fs (NM_001407297.1, NM_001407298.1, NM_001407299.1 and 3 more transcripts); c.-104dup (NM_001407304.1, NM_001407305.1, NM_001407306.1 and 5 more transcripts); c.48+5346dup (NM_001407314.1); c.-104-5295dup (NM_001407313.1, NM_001407312.1); short protein forms H241fs, H261fs.
Identifiers: ClinVar variation 2674127 (VCV002674127.1), dbSNP rs2506499894, ClinGen allele CA2695197537.
Genomic context (GRCh38, chr16:23,635,763, plus strand): 5'-AATGTTTTTTAGGTCGTGAGTAGTAAGTTCACTGCTACCTTTAGGAGGAATGTGTTCAAG[G>GT]TGCTGACTACTACCGCTATCTGATAGAGTCTGTAAAGGAACTGTAGTCGCCCTGGTGAAA-3'